The following is an entry in ClinVar:

ClinVar aggregate classification (germline): Conflicting classifications of pathogenicity. Review status: criteria provided, conflicting classifications (1 of 4 stars). 3 submissions from 3 submitters: Likely pathogenic (2); Uncertain significance (1). Last evaluated 2026-04-08.

Conditions:
Anemia, nonspherocytic hemolytic, due to G6PD deficiency (CNSHA1). Also called: Hemolytic anemia due to G6PD deficiency; ANEMIA, CONGENITAL, NONSPHEROCYTIC HEMOLYTIC, 1; Class I glucose-6-phosphate dehydrogenase deficiency; Favism, susceptibility to. Identifiers: Orphanet 466026, MedGen C2720289, MONDO:0010480, OMIM 300908.

gnomAD v4.1: 11 of 1,211,368 alleles (0.00091%); highest among the groups gnomAD compares: Admixed American, 0.0043%; no homozygotes.

Submissions (3):

Women's Health and Genetics/Laboratory Corporation of America, LabCorp
Classification: Uncertain significance. Last evaluated: 2026-04-08. Review status: criteria provided, single submitter. Criteria: LabCorp Variant Classification Summary - May 2015. Collection method: clinical testing. Allele origin: germline.
Comment: Variant summary: G6PD c.1466G>A (p.Arg489His) results in a non-conservative amino acid change in the encoded protein sequence. Algorithms developed to predict the effect of missense changes on protein structure and function all suggest that this variant is likely to be disruptive. The variant allele was found at a frequency of 1.1e-05 in 181938 control chromosomes. To our knowledge, no occurrence of c.1466G>A in individuals affected with G6PD-related conditions and no experimental evidence demonstrating its impact on protein function have been reported. Different variants affecting the same codon has been classified as likely pathogenic/pathogenic by our lab (p.Arg489Gly, p.Arg489Leu, p.Arg489Pro), supporting the critical relevance of codon 489 to G6PD protein function. ClinVar contains an entry for this variant (Variation ID: 1485870). Based on the evidence outlined above, the variant was classified as VUS-possibly pathogenic.

Labcorp Genetics (formerly Invitae), Labcorp
Classification: Likely pathogenic for Anemia, nonspherocytic hemolytic, due to G6PD deficiency. Last evaluated: 2025-07-28. Review status: criteria provided, single submitter. Criteria: Invitae Variant Classification Sherloc (09022015). Collection method: clinical testing. Allele origin: germline.
Comment: This sequence change replaces arginine, which is basic and polar, with histidine, which is basic and polar, at codon 459 of the G6PD protein (p.Arg459His). This variant is present in population databases (rs72554665, gnomAD 0.005%). This variant has not been reported in the literature in individuals affected with G6PD-related conditions. ClinVar contains an entry for this variant (Variation ID: 1485870). Invitae Evidence Modeling of protein sequence and biophysical properties (such as structural, functional, and spatial information, amino acid conservation, physicochemical variation, residue mobility, and thermodynamic stability) has been performed for this missense variant. However, the output from this modeling did not meet the statistical confidence thresholds required to predict the impact of this variant on G6PD protein function. This variant disrupts the p.Arg459 amino acid residue in G6PD. Other variant(s) that disrupt this residue have been determined to be pathogenic (PMID: 1562739, 2263506, 6714986, 8537082, 20203002, 26823837). This suggests that this residue is clinically significant, and that variants that disrupt this residue are likely to be disease-causing. In summary, the currently available evidence indicates that the variant is pathogenic, but additional data are needed to prove that conclusively. Therefore, this variant has been classified as Likely Pathogenic.

Kariminejad - Najmabadi Pathology & Genetics Center
Classification: Likely pathogenic for Anemia, nonspherocytic hemolytic, due to G6PD deficiency. Review status: criteria provided, single submitter. Criteria: ACMG Guidelines, 2015. Collection method: clinical testing. Allele origin: germline. Affected: no.

Literature cited by the submitters: PubMed 1562739 (cited by Labcorp Genetics (formerly Invitae), Labcorp); PubMed 2263506 (cited by Labcorp Genetics (formerly Invitae), Labcorp); PubMed 6714986 (cited by Labcorp Genetics (formerly Invitae), Labcorp); PubMed 8537082 (cited by Labcorp Genetics (formerly Invitae), Labcorp); PubMed 20203002 (cited by Labcorp Genetics (formerly Invitae), Labcorp); PubMed 26823837 (cited by Labcorp Genetics (formerly Invitae), Labcorp).

NM_001360016.2(G6PD):c.1376G>A (p.Arg459His)

Gene: G6PD (glucose-6-phosphate dehydrogenase; minus strand). Cytogenetic location: Xq28.
Variant type: single nucleotide variant.
Coding change: c.1376G>A on transcript NM_001360016.2 (MANE Select); coding-DNA position 1376, G replaced by A.
Protein change: p.Arg459His; replaces arginine 459 with histidine.
Molecular consequence: missense variant.
Genome position (GRCh38, 1-based): chrX:154,532,269, C>T on the plus strand (G>A on the coding strand, the complement: G6PD is on the minus strand). VCF-style: chrX-154532269-C-T. GRCh37 (hg19) VCF-style: chrX-153760484-C-T.
Other names: c.1466G>A, p.Arg489His (NM_000402.4); c.1376G>A, p.Arg459His (NM_001042351.3); short protein forms R489H, R459H.
Identifiers: ClinVar variation 1485870 (VCV001485870.8), dbSNP rs72554665, ClinGen allele CA10566017.